The following is an entry in ClinVar:

ClinVar aggregate classification (germline): Uncertain significance. Review status: criteria provided, multiple submitters, no conflicts (2 of 4 stars). 3 submissions from 3 submitters: Uncertain significance (3). Last evaluated 2024-01-03.

Conditions:
Familial thoracic aortic aneurysm and aortic dissection (TAAD). Also called: Thoracic aortic aneurysms and dissections. Identifiers: Orphanet 91387, MedGen C4707243, MONDO:0019625.
Weill-Marchesani syndrome 2, dominant. Also called: Weill-Marchesani Syndrome, Autosomal Dominant; FBN1-Related Weill-Marchesani Syndrome. Identifiers: Orphanet 2084, MedGen C1869115, MONDO:0012013, OMIM 608328.
Progeroid and marfanoid aspect-lipodystrophy syndrome. Also called: Marfan lipodystrophy syndrome; MARFANOID-PROGEROID SYNDROME; MARFAN-PROGEROID-LIPODYSTROPHY SYNDROME; MARFANOID-PROGEROID-LIPODYSTROPHY SYNDROME. Identifiers: Orphanet 300382, MedGen C4310796, MONDO:0014831, OMIM 616914.
Stiff skin syndrome (SSKS). Identifiers: Orphanet 2833, MedGen C1861456, MONDO:0008492, OMIM 184900.
Acromicric dysplasia (ACMICD). Also called: Acromicric skeletal dysplasia. Identifiers: Orphanet 969, MedGen C0265287, MONDO:0007055, OMIM 102370.
Geleophysic dysplasia 2 (GPHYSD2). Identifiers: Orphanet 2623, MedGen C3280054, MONDO:0013612, OMIM 614185.
Ectopia lentis 1, isolated, autosomal dominant (ECTOL1). Identifiers: Orphanet 1885, MedGen C3541518, MONDO:0007514, OMIM 129600.
Marfan syndrome (MFS). Also called: FBN1-Related Marfan Syndrome; Marfan syndrome type 1; Marfan's syndrome; Marfan syndrome, classic; MARFAN SYNDROME, TYPE I. Identifiers: Orphanet 284963, Orphanet 558, MedGen C0024796, MONDO:0007947, OMIM 154700.
MASS syndrome (OCTD). Also called: MASS PHENOTYPE; OVERLAP CONNECTIVE TISSUE DISEASE. Identifiers: MedGen C1858556, MONDO:0011431, OMIM 604308.

Allele frequency attached by ClinVar (database versions not stated): gnomAD exomes below 0.00001.
gnomAD v4.1: 2 of 1,614,106 alleles (0.00012%); highest among the groups gnomAD compares: Non-Finnish European, 0.00017%; no homozygotes.

Submissions (3):

All of Us Research Program, National Institutes of Health
Classification: Uncertain significance for Marfan syndrome. Last evaluated: 2024-01-03. Review status: criteria provided, single submitter. Criteria: ACMG Guidelines, 2015. Collection method: clinical testing. Allele origin: germline. Inheritance: Autosomal dominant inheritance. Observed: 3 variant alleles, 3 heterozygotes.
Comment: Variant of Uncertain Significance due to insufficient evidence: This variant is located in the calcium-binding EGF-like motif 26 of the FBN1 protein. Computational prediction tools and conservation analyses are inconclusive regarding the impact of this variant on the protein function. Computational splicing tools suggest that this variant may not impact RNA splicing. To our knowledge, functional assays have not been performed for this variant nor has this variant been reported in individuals affected with cardiovascular disorders in the literature. This variant is rare in the general population and has been identified in 0/277264 chromosomes by the Genome Aggregation Database (gnomAD). Available evidence is insufficient to determine the pathogenicity of this variant conclusively.

This study involves interpretation of variants in research participants for the purpose of population health screening. Participant phenotype was not available at the time of variant classification. Additional details can be found in publication PMID: 35346344, PMCID: PMC8962531

Color Diagnostics, LLC DBA Color Health
Classification: Uncertain significance for Familial thoracic aortic aneurysm and aortic dissection. Last evaluated: 2023-10-04. Review status: criteria provided, single submitter. Criteria: ACMG Guidelines, 2015. Collection method: clinical testing. Allele origin: germline.
Comment: This missense variant replaces valine with leucine at codon 1488 of the FBN1 protein. Computational prediction suggests that this variant may not impact protein structure and function (internally defined REVEL score threshold <= 0.5, PMID: 27666373). To our knowledge, functional studies have not been reported for this variant. This variant has not been reported in individuals affected with FBN1-related disorders in the literature. This variant has not been identified in the general population by the Genome Aggregation Database (gnomAD). The available evidence is insufficient to determine the role of this variant in disease conclusively. Therefore, this variant is classified as a Variant of Uncertain Significance.

Center for Genomics, Ann and Robert H. Lurie Children's Hospital of Chicago
Classification: Uncertain significance for Geleophysic dysplasia 2; Weill-Marchesani syndrome 2, dominant; Ectopia lentis 1, isolated, autosomal dominant; MASS syndrome; Progeroid and marfanoid aspect-lipodystrophy syndrome; Acromicric dysplasia; Marfan syndrome; Stiff skin syndrome. Review status: criteria provided, single submitter. Criteria: ACMG Guidelines, 2015. Collection method: clinical testing. Allele origin: germline.
Comment: FBN1: NM_000138 exon37 p.Val1488Leu (c.4462G>T): This variant has not been reported in the literature and is not present in large control databases. Evolutionary conservation and computational predictive tools for this variant are unclear. In summary, data on this variant is insufficient for disease classification. Therefore, the clinical signifance of this variant is uncertain.

NM_000138.5(FBN1):c.4462G>T (p.Val1488Leu)

Gene: FBN1 (fibrillin 1; minus strand). Cytogenetic location: 15q21.1.
Variant type: single nucleotide variant.
Coding change: c.4462G>T on transcript NM_000138.5 (MANE Select); coding-DNA position 4462, G replaced by T.
Protein change: p.Val1488Leu; replaces valine 1488 with leucine.
Molecular consequence: missense variant.
Genome position (GRCh38, 1-based): chr15:48,468,532, C>A on the plus strand (G>T on the coding strand, the complement: FBN1 is on the minus strand). VCF-style: chr15-48468532-C-A. GRCh37 (hg19) VCF-style: chr15-48760729-C-A.
Other names: short protein forms V1488L.
Identifiers: ClinVar variation 626103 (VCV000626103.8), dbSNP rs1566904712, ClinGen allele CA392353828.